The following is an entry in ClinVar:

ClinVar aggregate classification (germline): Uncertain significance (1 of 4 stars; one submission).

Conditions:
Anophthalmia-microphthalmia syndrome. Also called: Anophthalmia/Microphthalmia; Anophthalmia - microphthalmia. Identifiers: Orphanet 98555, MedGen C5680330, MONDO:0020147.

Submission:

Labcorp Genetics (formerly Invitae), Labcorp
Classification: Uncertain significance for Anophthalmia-microphthalmia syndrome. Last evaluated: 2025-03-29. Review status: criteria provided, single submitter. Criteria: Invitae Variant Classification Sherloc (09022015). Collection method: clinical testing. Allele origin: germline.
Comment: This sequence change replaces cysteine, which is neutral and slightly polar, with phenylalanine, which is neutral and non-polar, at codon 201 of the OTX2 protein (p.Cys201Phe). This variant is not present in population databases (gnomAD no frequency). This variant has not been reported in the literature in individuals affected with OTX2-related conditions. An algorithm developed to predict the effect of missense changes on protein structure and function (PolyPhen-2) suggests that this variant is likely to be disruptive. In summary, the available evidence is currently insufficient to determine the role of this variant in disease. Therefore, it has been classified as a Variant of Uncertain Significance.

NM_021728.4(OTX2):c.626G>T (p.Cys209Phe)

Gene: OTX2 (orthodenticle homeobox 2; minus strand). Cytogenetic location: 14q22.3.
Variant type: single nucleotide variant.
Coding change: c.626G>T on transcript NM_021728.4 (MANE Select); coding-DNA position 626, G replaced by T.
Protein change: p.Cys209Phe; replaces cysteine 209 with phenylalanine.
Molecular consequence: missense variant. On other transcripts: non-coding transcript variant (2).
Genome position (GRCh38, 1-based): chr14:56,802,003, C>A on the plus strand (G>T on the coding strand, the complement: OTX2 is on the minus strand). VCF-style: chr14-56802003-C-A. GRCh37 (hg19) VCF-style: chr14-57268721-C-A.
Other names: c.602G>T, p.Cys201Phe (NM_172337.3, NM_001270523.2, NM_001270524.2); c.626G>T, p.Cys209Phe (NM_001270525.2); short protein forms C209F, C201F.
Identifiers: ClinVar variation 4762849 (VCV004762849.1).